The following is an entry in ClinVar:

ClinVar aggregate classification (germline): Likely benign. Review status: criteria provided, multiple submitters, no conflicts (2 of 4 stars). 2 submissions from 2 submitters: Likely benign (2). Last evaluated 2025-05-14.

Conditions:
DST-related disorder. Also called: DST-related condition; DST-related disorders.
Hereditary sensory and autonomic neuropathy type 6. Also called: HSAN VI; Neuropathy, hereditary sensory and autonomic, type VI. Identifiers: Orphanet 314381, MedGen C3539003, MONDO:0013839, OMIM 614653.
Epidermolysis bullosa simplex 3, localized or generalized intermediate, with BP230 deficiency (EBS3). Also called: Epidermolysis bullosa simplex, autosomal recessive 2; Epidermolysis bullosa simplex due to BP230 deficiency. Identifiers: Orphanet 412181, MedGen C3809470, MONDO:0014180, OMIM 615425.

gnomAD v4.1: 5 of 1,612,826 alleles (0.00031%); highest among the groups gnomAD compares: African/African-American, 0.0013%; no homozygotes.

Submissions (2):

PreventionGenetics, part of Exact Sciences
Classification: Likely benign for DST-related condition. Last evaluated: 2025-05-14. Review status: criteria provided, single submitter. Criteria: ACMG Guidelines, 2015. Collection method: clinical testing. Allele origin: germline.
Comment: This variant is classified as likely benign based on ACMG/AMP sequence variant interpretation guidelines (Richards et al. 2015 PMID: 25741868, with internal and published modifications).

Labcorp Genetics (formerly Invitae), Labcorp
Classification: Likely benign for Epidermolysis bullosa simplex 3, localized or generalized intermediate, with BP230 deficiency; Hereditary sensory and autonomic neuropathy type 6. Last evaluated: 2024-10-01. Review status: criteria provided, single submitter. Criteria: Invitae Variant Classification Sherloc (09022015). Collection method: clinical testing. Allele origin: germline.

NM_001374736.1(DST):c.3621+7A>G

Gene: DST (dystonin; minus strand). Cytogenetic location: 6p12.1.
Variant type: single nucleotide variant.
Coding change: c.3621+7A>G on transcript NM_001374736.1 (MANE Select); 7 bases into the intron after coding-DNA position 3621, A replaced by G.
Molecular consequence: intron variant.
Genome position (GRCh38, 1-based): chr6:56,634,125, T>C on the plus strand (A>G on the coding strand, the complement: DST is on the minus strand). VCF-style: chr6-56634125-T-C. GRCh37 (hg19) VCF-style: chr6-56498923-T-C.
Other names: c.3522+7A>G (NM_001144769.5); c.3621+7A>G (NM_001374722.1); c.3648+7A>G (NM_001374734.1); c.3108+7A>G (NM_001144770.2); c.2988+7A>G (NM_001374730.1, NM_001386100.1, NM_183380.4 and 1 more transcripts); c.2010+7A>G (NM_015548.5, NM_001723.7, NM_001723.5).
Identifiers: ClinVar variation 3763922 (VCV003763922.3).